The following is an entry in ClinVar:

NM_001106.4(ACVR2B):c.578T>G (p.Leu193Arg)

Gene: ACVR2B (activin A receptor type 2B; plus strand). Cytogenetic location: 3p22.2.
Variant type: single nucleotide variant.
Coding change: c.578T>G on transcript NM_001106.4 (MANE Select); coding-DNA position 578, T replaced by G.
Protein change: p.Leu193Arg; replaces leucine 193 with arginine.
Molecular consequence: missense variant.
Genome position (GRCh38, 1-based): chr3:38,478,430, T>G. VCF-style: chr3-38478430-T-G. GRCh37 (hg19) VCF-style: chr3-38519921-T-G.
Other names: short protein forms L193R.
Identifiers: ClinVar variation 2898940 (VCV002898940.3), dbSNP rs2471258166, ClinGen allele CA352130280.

ClinVar aggregate classification (germline): Uncertain significance (1 of 4 stars; one submission).

Conditions:
Heterotaxy, visceral, 4, autosomal (HTX4). Identifiers: Orphanet 450, MedGen C3151057, MONDO:0013403, OMIM 613751.

gnomAD v4.1: 1 of 1,614,076 alleles (0.000062%); highest among the groups gnomAD compares: African/African-American, 0.0013%; no homozygotes.

Submission:

Labcorp Genetics (formerly Invitae), Labcorp
Classification: Uncertain significance for Heterotaxy, visceral, 4, autosomal. Last evaluated: 2023-09-08. Review status: criteria provided, single submitter. Criteria: Invitae Variant Classification Sherloc (09022015). Collection method: clinical testing. Allele origin: germline.
Comment: In summary, the available evidence is currently insufficient to determine the role of this variant in disease. Therefore, it has been classified as a Variant of Uncertain Significance. Advanced modeling of protein sequence and biophysical properties (such as structural, functional, and spatial information, amino acid conservation, physicochemical variation, residue mobility, and thermodynamic stability) performed at Invitae indicates that this missense variant is not expected to disrupt ACVR2B protein function. This variant has not been reported in the literature in individuals affected with ACVR2B-related conditions. This variant is not present in population databases (gnomAD no frequency). This sequence change replaces leucine, which is neutral and non-polar, with arginine, which is basic and polar, at codon 193 of the ACVR2B protein (p.Leu193Arg).